The following is an entry in ClinVar:

ClinVar aggregate classification (germline): Uncertain significance (1 of 4 stars; one submission).

Conditions:
Ataxia-telangiectasia syndrome (AT). Also called: Ataxia telangiectasia (A-T); ATAXIA-TELANGIECTASIA, COMPLEMENTATION GROUP A; ATAXIA-TELANGIECTASIA, FRESNO VARIANT; Ataxia-telangiectasia; Ataxia-telangiectasia, complementation group E; LOUIS-BAR SYNDROME. Identifiers: Orphanet 100, MedGen C0004135, MONDO:0008840, OMIM 208900.

Submission:

Labcorp Genetics (formerly Invitae), Labcorp
Classification: Uncertain significance for Ataxia-telangiectasia syndrome. Last evaluated: 2021-04-27. Review status: criteria provided, single submitter. Criteria: Invitae Variant Classification Sherloc (09022015). Collection method: clinical testing. Allele origin: germline.
Comment: This variant is not present in population databases (ExAC no frequency). This sequence change replaces cysteine with phenylalanine at codon 2349 of the ATM protein (p.Cys2349Phe). The cysteine residue is moderately conserved and there is a large physicochemical difference between cysteine and phenylalanine. In summary, the available evidence is currently insufficient to determine the role of this variant in disease. Therefore, it has been classified as a Variant of Uncertain Significance. Advanced modeling of protein sequence and biophysical properties (such as structural, functional, and spatial information, amino acid conservation, physicochemical variation, residue mobility, and thermodynamic stability) performed at Invitae indicates that this missense variant is not expected to disrupt ATM protein function. This variant has not been reported in the literature in individuals with ATM-related conditions.

NM_000051.4(ATM):c.7046G>T (p.Cys2349Phe)

Genes: ATM (ATM serine/threonine kinase; plus strand), C11orf65 (chromosome 11 open reading frame 65; minus strand). Cytogenetic location: 11q22.3.
Variant type: single nucleotide variant.
Coding change: c.7046G>T on transcript NM_000051.4 (MANE Select); coding-DNA position 7046, G replaced by T.
Protein change: p.Cys2349Phe; replaces cysteine 2349 with phenylalanine.
Molecular consequence: missense variant. On other transcripts: intron variant (2).
Genome position (GRCh38, 1-based): chr11:108,327,715, G>T. VCF-style: chr11-108327715-G-T. GRCh37 (hg19) VCF-style: chr11-108198442-G-T.
Other names: c.7046G>T, p.Cys2349Phe (NM_001351834.2); c.641-18644C>A (NM_001330368.2); c.*38+7505C>A (NM_001351110.2); short protein forms C2349F.
Identifiers: ClinVar variation 1027043 (VCV001027043.9), dbSNP rs1223489931, ClinGen allele CA382558932.